The following is an entry in ClinVar:

NM_018062.4(FANCL):c.259T>A (p.Leu87Met)

Gene: FANCL (FA complementation group L; minus strand). Cytogenetic location: 2p16.1.
Variant type: single nucleotide variant.
Coding change: c.259T>A on transcript NM_018062.4 (MANE Select); coding-DNA position 259, T replaced by A.
Protein change: p.Leu87Met; replaces leucine 87 with methionine.
Molecular consequence: missense variant.
Genome position (GRCh38, 1-based): chr2:58,226,742, A>T on the plus strand (T>A on the coding strand, the complement: FANCL is on the minus strand). VCF-style: chr2-58226742-A-T. GRCh37 (hg19) VCF-style: chr2-58453877-A-T.
Other names: c.259T>A, p.Leu87Met (NM_001114636.2, NM_001374615.1, NM_001410792.1); short protein forms L87M.
Identifiers: ClinVar variation 2048736 (VCV002048736.1), dbSNP rs1283253682, ClinGen allele CA347034636.
Genomic context (GRCh38, chr2:58,226,742, plus strand): 5'-AGACTTGCAGTATGGTAACAGTGTCAGAAAAAAAAAAAATTCTTACCAAAAGCATCTTCA[A>T]CTCCATCATAAAGCTCATTAGATCAGGAGAGTGCTGCATTCTCTAGATCAAAATATTTCC-3'
Protein context (NP_060532.2, residues 77-97): SPDLMSFMME[Leu87Met]KMLLEVALKN

ClinVar aggregate classification (germline): Uncertain significance (1 of 4 stars; one submission).

Conditions:
Fanconi anemia (FA). Also called: Fanconi's anemia. Identifiers: Orphanet 84, MedGen C0015625, MeSH D005199, MONDO:0019391.

Submission:

Labcorp Genetics (formerly Invitae), Labcorp
Classification: Uncertain significance for Fanconi anemia. Last evaluated: 2022-05-18. Review status: criteria provided, single submitter. Criteria: Invitae Variant Classification Sherloc (09022015). Collection method: clinical testing. Allele origin: germline.
Comment: This sequence change replaces leucine, which is neutral and non-polar, with methionine, which is neutral and non-polar, at codon 87 of the FANCL protein (p.Leu87Met). This variant is not present in population databases (gnomAD no frequency). This variant has not been reported in the literature in individuals affected with FANCL-related conditions. Algorithms developed to predict the effect of missense changes on protein structure and function are either unavailable or do not agree on the potential impact of this missense change (SIFT: "Deleterious"; PolyPhen-2: "Probably Damaging"; Align-GVGD: "Class C0"). In summary, the available evidence is currently insufficient to determine the role of this variant in disease. Therefore, it has been classified as a Variant of Uncertain Significance.